The following is an entry in ClinVar:

NM_001267550.2(TTN):c.66161-1G>C

Genes: TTN (titin; minus strand), TTN-AS1 (TTN antisense RNA 1; plus strand). Cytogenetic location: 2q31.2.
Variant type: single nucleotide variant.
Coding change: c.66161-1G>C on transcript NM_001267550.2 (MANE Select); the canonical splice acceptor site of the intron before coding-DNA position 66161, G replaced by C.
Molecular consequence: splice acceptor variant.
Genome position (GRCh38, 1-based): chr2:178,582,209, C>G on the plus strand (G>C on the coding strand, the complement: TTN is on the minus strand). VCF-style: chr2-178582209-C-G. GRCh37 (hg19) VCF-style: chr2-179446936-C-G.
Other names: c.38966-1G>C (NM_003319.4); c.39542-1G>C (NM_133437.4); c.39341-1G>C (NM_133432.3); c.58457-1G>C (NM_133378.4); c.61238-1G>C (NM_001256850.1).
Identifiers: ClinVar variation 466651 (VCV000466651.46), dbSNP rs1553627403, ClinGen allele CA349429741.

ClinVar aggregate classification (germline): Conflicting classifications of pathogenicity. Review status: criteria provided, conflicting classifications (1 of 4 stars). 5 submissions from 5 submitters: Likely pathogenic (4); Uncertain significance (1). Last evaluated 2025-07-23.

Conditions:
Early-onset myopathy with fatal cardiomyopathy (CMYO5). Also called: Salih Myopathy; CONGENITAL MYOPATHY 5 WITH CARDIOMYOPATHY. Identifiers: Orphanet 289377, MedGen C2673677, MONDO:0012714, OMIM 611705. Disease mechanism: loss of function.
Tibial muscular dystrophy (TMD). Also called: UDD MYOPATHY; Tibial muscular dystrophy, tardive; Udd Distal Myopathy – Tibial Muscular Dystrophy. Identifiers: Orphanet 609, MedGen C1838244, MONDO:0010870, OMIM 600334.
Dilated cardiomyopathy 1G (CMD1G). Identifiers: Orphanet 154, MedGen C1858763, MONDO:0011400, OMIM 604145.
Myopathy, myofibrillar, 9, with early respiratory failure (MFM9). Also called: Hereditary myopathy with early respiratory failure; MYOPATHY, PROXIMAL, WITH EARLY RESPIRATORY MUSCLE INVOLVEMENT; Myopathy, distal, with early respiratory failure, autosomal dominant; EDSTROM MYOPATHY. Identifiers: Orphanet 178464, Orphanet 34521, MedGen C1863599, MONDO:0011362, OMIM 603689.
Hypertrophic cardiomyopathy 9. Also called: Familial hypertrophic cardiomyopathy 9. Identifiers: MedGen C1861065, MONDO:0013412, OMIM 613765.
Autosomal recessive limb-girdle muscular dystrophy type 2J (LGMDR10). Also called: Limb-girdle muscular dystrophy, type 2J; MUSCULAR DYSTROPHY, LIMB-GIRDLE, AUTOSOMAL RECESSIVE 10. Identifiers: Orphanet 140922, MedGen C1837342, MONDO:0012127, OMIM 608807.

Allele frequency attached by ClinVar (database versions not stated): TOPMed below 0.00001; gnomAD exomes 0.00002.
gnomAD v4.1: 15 of 1,590,052 alleles (0.00094%); highest among the groups gnomAD compares: Non-Finnish European, 0.0013%; no homozygotes.

Submissions (5):

GeneDx
Classification: Likely pathogenic. Last evaluated: 2025-07-23. Review status: criteria provided, single submitter. Criteria: GeneDx Variant Classification Process June 2021. Collection method: clinical testing. Allele origin: germline. Affected: yes.
Comment: Canonical splice site variant predicted to result in an in-frame loss of the adjacent exon in a gene for which loss of function is a known mechanism of disease; Not observed at significant frequency in large population cohorts (gnomAD); Located in the A-band, a region of TTN for which truncating variants are significantly associated with autosomal dominant cardiomyopathy and also with autosomal recessive skeletal myopathies (PMID: 22335739, 32778822); Identified in patients with DCM in published literature (PMID: 36264615); This variant is associated with the following publications: (PMID: 22335739, 32778822, 35177841, 36264615)

Victorian Clinical Genetics Services, Murdoch Childrens Research Institute
Classification: Uncertain significance for Dilated cardiomyopathy 1G. Last evaluated: 2025-07-15. Review status: criteria provided, single submitter. Criteria: ACMG Guidelines, 2015. Collection method: clinical testing. Allele origin: germline. Affected: yes.
Comment: This variant is classified as VUS-3A. Evidence in support of pathogenic classification: Canonical splice site variant without proven consequence on splicing (no functional evidence available); Variant is present in gnomAD <0.01 (v4: 15 heterozygote(s), 0 homozygote(s)); This variant has limited previous evidence of pathogenicity in unrelated individual(s). This variant has been classified as likely pathogenic by a clinical laboratory (ClinVar), having been reported in one individual tested with a cardiomyopathy panel, and observed in two incidental cases (GeneDx, CeGaT personal communication); Abnormal splicing is predicted by in silico tool and affected nucleotide is highly conserved. Additional information: This variant is heterozygous; This gene is associated with both recessive and dominant disease (OMIM); No published segregation evidence has been identified for this variant; No published functional evidence has been identified for this variant; No comparable canonical splice variants have previous evidence for pathogenicity; Loss of function is a known mechanism of disease in this gene. In addition, dominant negative is also a suggested mechanism. (PMID: 25589632). - The condition associated with this gene has incomplete penetrance. Variants in this gene that result in a premature termination codon (PTC) are known to have reduced penetrance in DCM (PMID: 25589632). - Inheritance information for this variant is not currently available in this individual.

Labcorp Genetics (formerly Invitae), Labcorp
Classification: Likely pathogenic for Dilated cardiomyopathy 1G; Autosomal recessive limb-girdle muscular dystrophy type 2J. Last evaluated: 2025-03-07. Review status: criteria provided, single submitter. Criteria: Invitae Variant Classification Sherloc (09022015). Collection method: clinical testing. Allele origin: germline.
Comment: This sequence change affects an acceptor splice site in intron 314 of the TTN gene. It is expected to disrupt RNA splicing and likely results in a truncated or disrupted TTN protein. This variant is not present in population databases (gnomAD no frequency). This variant has not been reported in the literature in individuals affected with TTN-related conditions. ClinVar contains an entry for this variant (Variation ID: 466651). Algorithms developed to predict the effect of sequence changes on RNA splicing suggest that this variant may disrupt the consensus splice site. This variant is located in the A band of TTN (PMID: 25589632). Truncating variants in this region are significantly overrepresented in patients affected with dilated cardiomyopathy (PMID: 25589632). Truncating variants in this region have also been reported in individuals affected with autosomal recessive centronuclear myopathy (PMID: 23975875). In summary, the currently available evidence indicates that the variant is pathogenic, but additional data are needed to prove that conclusively. Therefore, this variant has been classified as Likely Pathogenic.

CeGaT Center for Human Genetics Tuebingen
Classification: Likely pathogenic. Last evaluated: 2022-02-01. Review status: criteria provided, single submitter. Criteria: CeGaT Center For Human Genetics Tuebingen Variant Classification Criteria Version 2. Collection method: clinical testing. Allele origin: germline. Affected: yes. Observed: 1 variant allele.

Fulgent Genetics
Classification: Likely pathogenic for Tibial muscular dystrophy; Myopathy, myofibrillar, 9, with early respiratory failure; Dilated cardiomyopathy 1G; Autosomal recessive limb-girdle muscular dystrophy type 2J; Early-onset myopathy with fatal cardiomyopathy; Hypertrophic cardiomyopathy 9. Last evaluated: 2021-09-27. Review status: criteria provided, single submitter. Criteria: ACMG Guidelines, 2015. Collection method: clinical testing. Allele origin: unknown.

Literature cited by the submitters: PubMed 25589632 (cited by Victorian Clinical Genetics Services, Murdoch Childrens Research Institute and Labcorp Genetics (formerly Invitae), Labcorp); PubMed 23975875 (cited by Labcorp Genetics (formerly Invitae), Labcorp).